The following is an entry in ClinVar:

NM_016616.5(NME8):c.815A>G (p.Asp272Gly)

Gene: NME8 (NME/NM23 family member 8; plus strand). Cytogenetic location: 7p14.1.
Variant type: single nucleotide variant.
Coding change: c.815A>G on transcript NM_016616.5 (MANE Select); coding-DNA position 815, A replaced by G.
Protein change: p.Asp272Gly; replaces aspartic acid 272 with glycine.
Molecular consequence: missense variant.
Genome position (GRCh38, 1-based): chr7:37,867,895, A>G. VCF-style: chr7-37867895-A-G. GRCh37 (hg19) VCF-style: chr7-37907497-A-G.
Other names: short protein forms D272G.
Identifiers: ClinVar variation 3672064 (VCV003672064.2).

ClinVar aggregate classification (germline): Uncertain significance (1 of 4 stars; one submission).

Conditions:
Primary ciliary dyskinesia 6. Also called: Primary Ciliary Dyskinesia 6: TXNDC3-Related Primary Ciliary Dyskinesia. Identifiers: Orphanet 244, MedGen C1970506, MONDO:0012571, OMIM 610852.

gnomAD v4.1: 10 of 1,613,082 alleles (0.00062%); highest among the groups gnomAD compares: East Asian, 0.0089%; no homozygotes.

Submission:

Labcorp Genetics (formerly Invitae), Labcorp
Classification: Uncertain significance for Primary ciliary dyskinesia 6. Last evaluated: 2025-02-12. Review status: criteria provided, single submitter. Criteria: Invitae Variant Classification Sherloc (09022015). Collection method: clinical testing. Allele origin: germline.
Comment: This sequence change replaces aspartic acid, which is acidic and polar, with glycine, which is neutral and non-polar, at codon 272 of the NME8 protein (p.Asp272Gly). This variant is present in population databases (no rsID available, gnomAD 0.06%). This variant has not been reported in the literature in individuals affected with NME8-related conditions. Invitae Evidence Modeling of protein sequence and biophysical properties (such as structural, functional, and spatial information, amino acid conservation, physicochemical variation, residue mobility, and thermodynamic stability) indicates that this missense variant is not expected to disrupt NME8 protein function with a negative predictive value of 80%. Algorithms developed to predict the effect of sequence changes on RNA splicing suggest that this variant may disrupt the consensus splice site. In summary, the available evidence is currently insufficient to determine the role of this variant in disease. Therefore, it has been classified as a Variant of Uncertain Significance.